The following is an entry in ClinVar:

ClinVar aggregate classification (germline): Uncertain significance (1 of 4 stars; one submission).

Allele frequency attached by ClinVar (database versions not stated): gnomAD 0.00001; TOPMed 0.00001; ExAC 0.00003.
gnomAD v4.1: 39 of 1,614,122 alleles (0.0024%); highest among the groups gnomAD compares: South Asian, 0.029%; 1 homozygote.

Submission:

Labcorp Genetics (formerly Invitae), Labcorp
Classification: Uncertain significance. Last evaluated: 2022-10-17. Review status: criteria provided, single submitter. Criteria: Invitae Variant Classification Sherloc (09022015). Collection method: clinical testing. Allele origin: germline.
Comment: This variant is present in population databases (rs755020575, gnomAD 0.03%), including at least one homozygous and/or hemizygous individual. This sequence change falls in intron 23 of the SZT2 gene. It does not directly change the encoded amino acid sequence of the SZT2 protein. It affects a nucleotide within the consensus splice site. This variant has not been reported in the literature in individuals affected with SZT2-related conditions. In summary, the available evidence is currently insufficient to determine the role of this variant in disease. Therefore, it has been classified as a Variant of Uncertain Significance. Variants that disrupt the consensus splice site are a relatively common cause of aberrant splicing (PMID: 17576681, 9536098). Algorithms developed to predict the effect of sequence changes on RNA splicing suggest that this variant is not likely to affect RNA splicing.

Literature cited by the submitters: PubMed 17576681; PubMed 9536098.

NM_001365999.1(SZT2):c.3433+5C>A

Gene: SZT2 (SZT2 subunit of KICSTOR complex; plus strand). Cytogenetic location: 1p34.2.
Variant type: single nucleotide variant.
Coding change: c.3433+5C>A on transcript NM_001365999.1 (MANE Select); 5 bases into the intron after coding-DNA position 3433, C replaced by A.
Molecular consequence: intron variant.
Genome position (GRCh38, 1-based): chr1:43,427,184, C>A. VCF-style: chr1-43427184-C-A. GRCh37 (hg19) VCF-style: chr1-43892855-C-A.
Other names: c.3262+5C>A (NM_015284.4).
Identifiers: ClinVar variation 2187935 (VCV002187935.4), dbSNP rs755020575, ClinGen allele CA808973.